The following is an entry in ClinVar:

ClinVar aggregate classification (germline): Benign/Likely benign. Review status: criteria provided, multiple submitters, no conflicts (2 of 4 stars). 4 submissions from 4 submitters: Benign (1); Likely benign (2). 1 of the submissions does not count toward it. Last evaluated 2025-10-09.

Conditions:
SNX14-related disorder. Also called: SNX14-related condition.

Allele frequency attached by ClinVar (database versions not stated): gnomAD exomes 0.00007; ExAC 0.00033; gnomAD 0.00097; TOPMed 0.00110; ESP Exome Variant Server 0.00131; 1000 Genomes Project 0.00140; 1000 Genomes Project 30x 0.00141.
gnomAD v4.1: 252 of 1,593,248 alleles (0.016%); highest among the groups gnomAD compares: African/African-American, 0.31%; no homozygotes.

Submissions (4):

Mayo Clinic Laboratories, Mayo Clinic
Classification: Likely benign. Last evaluated: 2025-10-09. Review status: criteria provided, single submitter. Criteria: ACMG Guidelines, 2015. Collection method: clinical testing. Allele origin: germline. Observed: 1 variant allele.
Comment: BS1, BP4, BP7

Labcorp Genetics (formerly Invitae), Labcorp
Classification: Benign. Last evaluated: 2025-10-01. Review status: criteria provided, single submitter. Criteria: Invitae Variant Classification Sherloc (09022015). Collection method: clinical testing. Allele origin: germline.

Blueprint Genetics
Classification: Likely benign. Last evaluated: 2023-08-14. Review status: criteria provided, single submitter. Criteria: ACMG Guidelines, 2015. Collection method: clinical testing. Allele origin: germline.

PreventionGenetics, part of Exact Sciences
Classification: Likely benign for SNX14-related condition. Last evaluated: 2020-02-07. Review status: no assertion criteria provided. Collection method: clinical testing. Allele origin: germline. Not counted in ClinVar's aggregate classification.
Comment: This variant is classified as likely benign based on ACMG/AMP sequence variant interpretation guidelines (Richards et al. 2015 PMID: 25741868, with internal and published modifications).

NM_153816.6(SNX14):c.1449-4G>T

Gene: SNX14 (sorting nexin 14; minus strand). Cytogenetic location: 6q14.3.
Variant type: single nucleotide variant.
Coding change: c.1449-4G>T on transcript NM_153816.6 (MANE Select); 4 bases into the intron before coding-DNA position 1449, G replaced by T.
Molecular consequence: intron variant.
Genome position (GRCh38, 1-based): chr6:85,538,868, C>A on the plus strand (G>T on the coding strand, the complement: SNX14 is on the minus strand). VCF-style: chr6-85538868-C-A. GRCh37 (hg19) VCF-style: chr6-86248586-C-A.
Other names: p.?; c.1158-4G>T (NM_001350543.2); c.1290-4G>T (NM_001350539.2); c.1161-4G>T (NM_001350542.2); c.1005-4G>T (NM_001350546.2, NM_001350545.2); c.399-4G>T (NM_001350547.2); c.1149-4G>T (NM_001350544.2); c.294-1944G>T (NM_001350553.2); and 11 more.
Identifiers: ClinVar variation 2043410 (VCV002043410.8), dbSNP rs142002314, ClinGen allele CA3912112.